The following is an entry in ClinVar:

NM_005876.5(SPEG):c.9330C>T (p.Tyr3110=)

Genes: ASIC4-AS1 (ASIC4 antisense RNA 1; minus strand), SPEG (striated muscle enriched protein kinase; plus strand). Cytogenetic location: 2q35.
Variant type: single nucleotide variant.
Coding change: c.9330C>T on transcript NM_005876.5 (MANE Select); coding-DNA position 9330, C replaced by T.
Protein change: p.Tyr3110=; no amino-acid change (tyrosine 3110 retained).
Molecular consequence: synonymous variant.
Genome position (GRCh38, 1-based): chr2:219,490,901, C>T. VCF-style: chr2-219490901-C-T. GRCh37 (hg19) VCF-style: chr2-220355623-C-T.
Other names: c.9330C>T (NM_005876.4).
Identifiers: ClinVar variation 1599044 (VCV001599044.11), dbSNP rs200044898, ClinGen allele CA2127720.

ClinVar aggregate classification (germline): Benign/Likely benign. Review status: criteria provided, multiple submitters, no conflicts (2 of 4 stars). 4 submissions from 4 submitters: Benign (2); Likely benign (2). Last evaluated 2026-01-19.

Conditions:
SPEG-related disorder. Also called: SPEG-related condition.

Allele frequency attached by ClinVar (database versions not stated): gnomAD exomes 0.00012 and 0.00032; 1000 Genomes Project 0.00120; gnomAD 0.00128 and 0.00135; TOPMed 0.00129; 1000 Genomes Project 30x 0.00172; ExAC 0.00038; ESP Exome Variant Server 0.00072.
gnomAD v4.1: 363 of 1,613,844 alleles (0.022%); highest among the groups gnomAD compares: African/African-American, 0.45%; no homozygotes.

Submissions (4):

Labcorp Genetics (formerly Invitae), Labcorp
Classification: Benign. Last evaluated: 2026-01-19. Review status: criteria provided, single submitter. Criteria: Invitae Variant Classification Sherloc (09022015). Collection method: clinical testing. Allele origin: germline.

PreventionGenetics, part of Exact Sciences
Classification: Likely benign for SPEG-related condition. Last evaluated: 2024-10-22. Review status: criteria provided, single submitter. Criteria: ACMG Guidelines, 2015. Collection method: clinical testing. Allele origin: germline.
Comment: This variant is classified as likely benign based on ACMG/AMP sequence variant interpretation guidelines (Richards et al. 2015 PMID: 25741868, with internal and published modifications).

Blueprint Genetics
Classification: Likely benign. Last evaluated: 2024-09-25. Review status: criteria provided, single submitter. Criteria: ACMG Guidelines, 2015. Collection method: clinical testing. Allele origin: germline.

Breakthrough Genomics
Classification: Benign. Review status: criteria provided, single submitter. Criteria: ACMG Guidelines, 2015. Collection method: not provided. Allele origin: germline. Inheritance: Autosomal recessive inheritance. Affected: yes.